The following is an entry in ClinVar:

NM_001283009.2(RTEL1):c.3448G>A (p.Glu1150Lys)

Genes: RTEL1 (regulator of telomere elongation helicase 1; plus strand), RTEL1-TNFRSF6B (RTEL1-TNFRSF6B readthrough (NMD candidate); plus strand). Cytogenetic location: 20q13.33.
Variant type: single nucleotide variant.
Coding change: c.3448G>A on transcript NM_001283009.2 (MANE Select); coding-DNA position 3448, G replaced by A.
Protein change: p.Glu1150Lys; replaces glutamic acid 1150 with lysine.
Molecular consequence: missense variant. On other transcripts: non-coding transcript variant (1).
Genome position (GRCh38, 1-based): chr20:63,695,170, G>A. VCF-style: chr20-63695170-G-A. GRCh37 (hg19) VCF-style: chr20-62326523-G-A.
Other names: c.2779G>A, p.Glu927Lys (NM_001283010.1); c.3448G>A, p.Glu1150Lys (NM_016434.4); c.3520G>A, p.Glu1174Lys (NM_032957.5); short protein forms E1150K, E1174K, E927K.
Identifiers: ClinVar variation 2632142 (VCV002632142.6), dbSNP rs981133621, ClinGen allele CA317529301.

ClinVar aggregate classification (germline): Uncertain significance. Review status: criteria provided, multiple submitters, no conflicts (2 of 4 stars). 4 submissions from 4 submitters: Uncertain significance (4). Last evaluated 2025-10-10.

Conditions:
RTEL1-related disorder. Also called: RTEL1-related condition; RTEL1-related disorders.
Inborn genetic diseases. Identifiers: MedGen C0950123, MeSH D030342.
Dyskeratosis congenita, autosomal recessive 5 (DKCB5). Identifiers: MedGen C3554656, MONDO:0014076, OMIM 615190.
Pulmonary fibrosis and/or bone marrow failure, Telomere-related, 3. Also called: PULMONARY FIBROSIS AND/OR BONE MARROW FAILURE SYNDROME, TELOMERE-RELATED, 3. Identifiers: Orphanet 2032, MedGen C4225346, MONDO:0014613, OMIM 616373.

Allele frequency attached by ClinVar (database versions not stated): gnomAD 0.00001; TOPMed 0.00001.
gnomAD v4.1: 12 of 1,612,268 alleles (0.00074%); highest among the groups gnomAD compares: Non-Finnish European, 0.001%; no homozygotes.

Submissions (4):

Labcorp Genetics (formerly Invitae), Labcorp
Classification: Uncertain significance for Dyskeratosis congenita, autosomal recessive 5; Pulmonary fibrosis and/or bone marrow failure, Telomere-related, 3. Last evaluated: 2025-10-10. Review status: criteria provided, single submitter. Criteria: Invitae Variant Classification Sherloc (09022015). Collection method: clinical testing. Allele origin: germline.
Comment: This sequence change replaces glutamic acid, which is acidic and polar, with lysine, which is basic and polar, at codon 1150 of the RTEL1 protein (p.Glu1150Lys). This variant is present in population databases (no rsID available, gnomAD 0.0009%). This variant has not been reported in the literature in individuals affected with RTEL1-related conditions. ClinVar contains an entry for this variant (Variation ID: 2632142). An algorithm developed to predict the effect of missense changes on protein structure and function (PolyPhen-2) suggests that this variant is likely to be tolerated. In summary, the available evidence is currently insufficient to determine the role of this variant in disease. Therefore, it has been classified as a Variant of Uncertain Significance.

Ambry Genetics
Classification: Uncertain significance for Inborn genetic diseases. Last evaluated: 2025-01-06. Review status: criteria provided, single submitter. Criteria: Ambry Variant Classification Scheme 2023. Collection method: clinical testing. Allele origin: germline.
Comment: The p.E1150K variant (also known as c.3448G>A), located in coding exon 32 of the RTEL1 gene, results from a G to A substitution at nucleotide position 3448. The glutamic acid at codon 1150 is replaced by lysine, an amino acid with similar properties. This amino acid position is conserved. In addition, the in silico prediction for this alteration is inconclusive. Based on the available evidence, the clinical significance of this variant remains unclear.

Fulgent Genetics
Classification: Uncertain significance for Dyskeratosis congenita, autosomal recessive 5; Pulmonary fibrosis and/or bone marrow failure, Telomere-related, 3. Last evaluated: 2024-06-18. Review status: criteria provided, single submitter. Criteria: ACMG Guidelines, 2015. Collection method: clinical testing. Allele origin: germline.

PreventionGenetics, part of Exact Sciences
Classification: Uncertain significance for RTEL1-related condition. Last evaluated: 2023-06-09. Review status: criteria provided, single submitter. Criteria: ACMG Guidelines, 2015. Collection method: clinical testing. Allele origin: germline.
Comment: The RTEL1 c.3520G>A variant is predicted to result in the amino acid substitution p.Glu1174Lys. To our knowledge, this variant has not been reported in the literature. This variant is reported in 0.00092% of alleles in individuals of European (Non-Finnish) descent in gnomAD. At this time, the clinical significance of this variant is uncertain due to the absence of conclusive functional and genetic evidence.